The following is an entry in ClinVar:

NM_000222.3(KIT):c.1844A>G (p.Asp615Gly)

Gene: KIT (KIT proto-oncogene, receptor tyrosine kinase; plus strand). Cytogenetic location: 4q12.
Variant type: single nucleotide variant.
Coding change: c.1844A>G on transcript NM_000222.3 (MANE Select); coding-DNA position 1844, A replaced by G.
Protein change: p.Asp615Gly; replaces aspartic acid 615 with glycine.
Molecular consequence: missense variant.
Genome position (GRCh38, 1-based): chr4:54,727,892, A>G. VCF-style: chr4-54727892-A-G. GRCh37 (hg19) VCF-style: chr4-55594058-A-G.
Other names: c.1832A>G, p.Asp611Gly (NM_001093772.2, NM_001385286.1); c.1847A>G, p.Asp616Gly (NM_001385284.1, NM_001385290.1); c.1844A>G, p.Asp615Gly (NM_001385285.1); c.1835A>G, p.Asp612Gly (NM_001385288.1, NM_001385292.1); short protein forms D611G, D612G, D615G, D616G.
Identifiers: ClinVar variation 3230660 (VCV003230660.1), dbSNP rs1348209438, ClinGen allele CA356908145.
Genomic context (GRCh38, chr4:54,727,892, plus strand): 5'-TGGGTGCTGGAGCTTTCGGGAAGGTTGTTGAGGCAACTGCTTATGGCTTAATTAAGTCAG[A>G]TGCGGCCATGACTGTCGCTGTAAAGATGCTCAAGCGTAAGTTCCTGTATGGTACTGCATG-3'
Protein context (NP_000213.1, residues 605-625): EATAYGLIKS[Asp615Gly]AAMTVAVKML

ClinVar aggregate classification (germline): Uncertain significance (1 of 4 stars; one submission).

Conditions:
Hereditary cancer-predisposing syndrome. Also called: Neoplastic Syndromes, Hereditary; Tumor predisposition; Hereditary neoplastic syndrome; Hereditary Cancer Syndrome. Identifiers: Orphanet 140162, MedGen C0027672, MeSH D009386, MONDO:0015356.

Allele frequency attached by ClinVar (database versions not stated): gnomAD exomes below 0.00001.
gnomAD v4.1: 1 of 1,614,066 alleles (0.000062%); highest among the groups gnomAD compares: Non-Finnish European, 0.000085%; no homozygotes.

Submission:

Ambry Genetics
Classification: Uncertain significance for Hereditary cancer-predisposing syndrome. Last evaluated: 2022-11-10. Review status: criteria provided, single submitter. Criteria: Ambry Variant Classification Scheme 2023. Collection method: clinical testing. Allele origin: germline.
Comment: The p.D615G variant (also known as c.1844A>G), located in coding exon 12 of the KIT gene, results from an A to G substitution at nucleotide position 1844. The aspartic acid at codon 615 is replaced by glycine, an amino acid with similar properties. This amino acid position is conserved. In addition, this alteration is predicted to be deleterious by in silico analysis. Since supporting evidence is limited at this time, the clinical significance of this alteration remains unclear.